The following is an entry in ClinVar:

NM_007272.3(CTRC):c.180C>T (p.Gly60=)

Gene: CTRC (chymotrypsin C; plus strand). Cytogenetic location: 1p36.21.
Variant type: single nucleotide variant.
Coding change: c.180C>T on transcript NM_007272.3 (MANE Select); coding-DNA position 180, C replaced by T.
Protein change: p.Gly60=; no amino-acid change (glycine 60 retained).
Molecular consequence: synonymous variant.
Genome position (GRCh38, 1-based): chr1:15,440,540, C>T. VCF-style: chr1-15440540-C-T. GRCh37 (hg19) VCF-style: chr1-15767036-C-T.
Other names: p.Gly60=.
Identifiers: ClinVar variation 260156 (VCV000260156.36), dbSNP rs497078, ClinGen allele CA613251.

ClinVar aggregate classification (germline): Benign/Likely benign. Review status: criteria provided, multiple submitters, no conflicts (2 of 4 stars). 9 submissions from 9 submitters: Benign (8); Likely benign (1). Last evaluated 2026-02-04.

Conditions:
Hereditary pancreatitis (PCTT). Also called: PRSS1-Related Hereditary Pancreatitis; Hereditary chronic pancreatitis. Identifiers: Orphanet 676, MedGen C0238339, MONDO:0008185, OMIM 167800.

Allele frequency attached by ClinVar (database versions not stated): 1000 Genomes Project 0.08287; 1000 Genomes Project 30x 0.08713; TOPMed 0.11608; ESP Exome Variant Server 0.12002.
gnomAD v4.1: 160,456 of 1,613,874 alleles (9.9%); highest among the groups gnomAD compares: African/African-American, 16%; 8,571 homozygotes.

Submissions (17):

Labcorp Genetics (formerly Invitae), Labcorp
Classification: Benign for Hereditary pancreatitis. Last evaluated: 2026-02-04. Review status: criteria provided, single submitter. Criteria: Invitae Variant Classification Sherloc (09022015). Collection method: clinical testing. Allele origin: germline.

ARUP Laboratories, Molecular Genetics and Genomics, ARUP Laboratories
Classification: Benign for Hereditary pancreatitis. Last evaluated: 2025-07-31. Review status: criteria provided, single submitter. Criteria: ARUP Molecular Germline Variant Investigation Process 2024. Collection method: clinical testing. Allele origin: germline.

Blueprint Genetics
Classification: Likely benign. Last evaluated: 2024-11-26. Review status: criteria provided, single submitter. Criteria: ACMG Guidelines, 2015. Collection method: clinical testing. Allele origin: germline.

Mayo Clinic Laboratories, Mayo Clinic
Classification: Benign. Last evaluated: 2023-02-16. Review status: criteria provided, single submitter. Criteria: ACMG Guidelines, 2015. Collection method: clinical testing. Allele origin: germline. Observed: 709 variant alleles.

Illumina Laboratory Services, Illumina
Classification: Benign for Hereditary pancreatitis. Last evaluated: 2018-03-06. Review status: criteria provided, single submitter. Criteria: ICSL Variant Classification Criteria 13 December 2019. Collection method: clinical testing. Allele origin: germline.
Comment: This variant was observed in the ICSL laboratory as part of a predisposition screen in an ostensibly healthy population. It had not been previously curated by ICSL or reported in the Human Gene Mutation Database (HGMD: prior to June 1st, 2018), and was therefore a candidate for classification through an automated scoring system. Utilizing variant allele frequency, disease prevalence and penetrance estimates, and inheritance mode, an automated score was calculated to assess if this variant is too frequent to cause the disease. Based on the score and internal cut-off values, a variant classified as benign is not then subjected to further curation. The score for this variant resulted in a classification of benign for this disease.

GeneDx
Classification: Benign. Last evaluated: 2017-12-28. Review status: criteria provided, single submitter. Criteria: GeneDx Variant Classification (06012015). Collection method: clinical testing. Allele origin: germline. Affected: yes.
Comment: This variant is considered likely benign or benign based on one or more of the following criteria: it is a conservative change, it occurs at a poorly conserved position in the protein, it is predicted to be benign by multiple in silico algorithms, and/or has population frequency not consistent with disease.

Ambry Genetics
Classification: Benign for Hereditary pancreatitis. Last evaluated: 2015-03-12. Review status: criteria provided, single submitter. Criteria: Ambry Variant Classification Scheme 2023. Collection method: clinical testing. Allele origin: germline.

Breakthrough Genomics
Classification: Benign. Review status: criteria provided, single submitter. Criteria: ACMG Guidelines, 2015. Collection method: not provided. Allele origin: germline. Inheritance: Autosomal dominant inheritance. Affected: yes.

PreventionGenetics, part of Exact Sciences
Classification: Benign. Review status: criteria provided, single submitter. Criteria: ACMG Guidelines, 2015. Collection method: clinical testing. Allele origin: germline.

Dr. Peter K. Rogan Lab, Western University
No classification provided (evidence only). Condition: Colorectal cancer. Review status: no classification provided. Collection method: in vitro. Allele origin: not applicable. Functional consequence: retained intron. Not counted in ClinVar's aggregate classification.

Dr. Peter K. Rogan Lab, Western University
No classification provided (evidence only). Condition: Malignant lymphoma, large B-cell, diffuse. Review status: no classification provided. Collection method: in vitro. Allele origin: not applicable. Functional consequence: skipped exon, retained intron. Not counted in ClinVar's aggregate classification.

Dr. Peter K. Rogan Lab, Western University
No classification provided (evidence only). Condition: Thymoma. Review status: no classification provided. Collection method: in vitro. Allele origin: not applicable. Functional consequence: retained intron. Not counted in ClinVar's aggregate classification.

Dr. Peter K. Rogan Lab, Western University
No classification provided (evidence only). Condition: Thymoma. Review status: no classification provided. Collection method: in vitro. Allele origin: not applicable. Functional consequence: retained intron. Not counted in ClinVar's aggregate classification.

Dr. Peter K. Rogan Lab, Western University
No classification provided (evidence only). Condition: Thymoma. Review status: no classification provided. Collection method: in vitro. Allele origin: not applicable. Functional consequence: retained intron. Not counted in ClinVar's aggregate classification.

Dr. Peter K. Rogan Lab, Western University
No classification provided (evidence only). Condition: Adrenocortical carcinoma, hereditary. Review status: no classification provided. Collection method: in vitro. Allele origin: not applicable. Functional consequence: retained intron. Not counted in ClinVar's aggregate classification.

Dr. Peter K. Rogan Lab, Western University
No classification provided (evidence only). Condition: Uterine carcinosarcoma. Review status: no classification provided. Collection method: in vitro. Allele origin: not applicable. Functional consequence: retained intron. Not counted in ClinVar's aggregate classification.

Dr. Peter K. Rogan Lab, Western University
No classification provided (evidence only). Condition: Uterine carcinosarcoma. Review status: no classification provided. Collection method: in vitro. Allele origin: not applicable. Functional consequence: retained intron. Not counted in ClinVar's aggregate classification.